The following is an entry in ClinVar:

NM_022132.5(MCCC2):c.1081C>G (p.Arg361Gly)

Gene: MCCC2 (methylcrotonyl-CoA carboxylase subunit 2; plus strand). Cytogenetic location: 5q13.2.
Variant type: single nucleotide variant.
Coding change: c.1081C>G on transcript NM_022132.5 (MANE Select); coding-DNA position 1081, C replaced by G.
Protein change: p.Arg361Gly; replaces arginine 361 with glycine.
Molecular consequence: missense variant.
Genome position (GRCh38, 1-based): chr5:71,643,827, C>G. VCF-style: chr5-71643827-C-G. GRCh37 (hg19) VCF-style: chr5-70939654-C-G.
Other names: c.967C>G, p.Arg323Gly (NM_001363147.1); short protein forms R323G, R361G.
Identifiers: ClinVar variation 3344310 (VCV003344310.1).

ClinVar aggregate classification (germline): Uncertain significance (0 of 4 stars; one submission).

Conditions:
MCCC2-related disorder. Also called: MCCC2-related condition.

Submission:

PreventionGenetics, part of Exact Sciences
Classification: Uncertain significance for MCCC2-related condition. Last evaluated: 2024-09-04. Review status: no assertion criteria provided. Collection method: clinical testing. Allele origin: germline.
Comment: The MCCC2 c.1081C>G variant is predicted to result in the amino acid substitution p.Arg361Gly. To our knowledge, this variant has not been reported in the literature or in a large population database, indicating this variant is rare. At this time, the clinical significance of this variant is uncertain due to the absence of conclusive functional and genetic evidence.